The following is an entry in ClinVar:

NM_001267550.2(TTN):c.44020G>A (p.Glu14674Lys)

Gene: TTN (titin; minus strand). Cytogenetic location: 2q31.2.
Variant type: single nucleotide variant.
Coding change: c.44020G>A on transcript NM_001267550.2 (MANE Select); coding-DNA position 44020, G replaced by A.
Protein change: p.Glu14674Lys; replaces glutamic acid 14674 with lysine.
Molecular consequence: missense variant.
Genome position (GRCh38, 1-based): chr2:178,630,938, C>T on the plus strand (G>A on the coding strand, the complement: TTN is on the minus strand). VCF-style: chr2-178630938-C-T. GRCh37 (hg19) VCF-style: chr2-179495665-C-T.
Other names: p.E13033K:GAA>AAA; c.39097G>A, p.Glu13033Lys (NM_001256850.1); c.16825G>A, p.Glu5609Lys (NM_003319.4); c.36316G>A, p.Glu12106Lys (NM_133378.4); c.17200G>A, p.Glu5734Lys (NM_133432.3); c.17401G>A, p.Glu5801Lys (NM_133437.4); short protein forms E13033K, E14674K, E5609K, E12106K, E5734K, E5801K.
Identifiers: ClinVar variation 202634 (VCV000202634.5), dbSNP rs794729432, ClinGen allele CA309820.

ClinVar aggregate classification (germline): Uncertain significance. Review status: criteria provided, multiple submitters, no conflicts (2 of 4 stars). 3 submissions from 3 submitters: Uncertain significance (3). Last evaluated 2026-05-07.

Conditions:
TTN-related disorder. Also called: TTN-related condition; TTN-related disease; TTN-related disorders.
Cardiovascular phenotype. Identifiers: MedGen CN230736.

Allele frequency attached by ClinVar (database versions not stated): gnomAD exomes below 0.00001; TOPMed 0.00002; gnomAD 0.00003 and 0.00004.

Submissions (3):

PreventionGenetics, part of Exact Sciences
Classification: Uncertain significance for TTN-related condition. Last evaluated: 2026-05-07. Review status: criteria provided, single submitter. Criteria: ACMG Guidelines, 2015. Collection method: clinical testing. Allele origin: germline.
Comment: The TTN c.44020G>A variant is predicted to result in the amino acid substitution p.Glu14674Lys. To our knowledge, this variant has not been reported in the literature. This variant is reported in 0.0083% of alleles in individuals of African descent in gnomAD. At this time, the clinical significance of this variant is uncertain due to the absence of conclusive functional and genetic evidence.

Ambry Genetics
Classification: Uncertain significance for Cardiovascular phenotype. Last evaluated: 2019-10-07. Review status: criteria provided, single submitter. Criteria: Ambry Variant Classification Scheme 2023. Collection method: clinical testing. Allele origin: germline.
Comment: The p.E5609K variant (also known as c.16825G>A), located in coding exon 65 of the TTN gene, results from a G to A substitution at nucleotide position 16825. The glutamic acid at codon 5609 is replaced by lysine, an amino acid with similar properties. This amino acid position is not well conserved in available vertebrate species. In addition, this alteration is predicted to be tolerated by in silico analysis. Since supporting evidence is limited at this time, the clinical significance of this alteration remains unclear.

GeneDx
Classification: Uncertain significance. Last evaluated: 2016-12-08. Review status: criteria provided, single submitter. Criteria: GeneDx Variant Classification (06012015). Collection method: clinical testing. Allele origin: germline. Affected: yes.
Comment: Missense variants in the TTN gene are considered 'unclassified' if they are not previously reported in the literature and do not have >1% frequency in the population to be considered a polymorphism. Research indicates that truncating mutations in the TTN gene are expected to account for approximately 25% of familial and 18% of sporadic idiopathic DCM; however, truncating variants in the TTN gene have been reported in approximately 3% of reported control alleles. There has been little investigation into non-truncating variants. (Herman D et al. Truncations of titin causing dilated cardiomyopathy. N Eng J Med 366:619-628, 2012) The variant is found in DCM-CRDM panel(s).